The following is an entry in ClinVar:

ClinVar aggregate classification (germline): Benign. Review status: criteria provided, multiple submitters, no conflicts (2 of 4 stars). 4 submissions from 4 submitters: Benign (3). 1 of the submissions does not count toward it. Last evaluated 2026-02-03.

Conditions:
FAT2-related disorder. Also called: FAT2-related condition.
Spinocerebellar ataxia 45. Identifiers: Orphanet 589527, MedGen C4540400, MONDO:0033480, OMIM 617769.

Allele frequency attached by ClinVar (database versions not stated): gnomAD 0.54411 and 0.53410; ESP Exome Variant Server 0.52168; gnomAD exomes 0.55608 and 0.59607; ExAC 0.59008; TOPMed 0.55643; 1000 Genomes Project 30x 0.62352; 1000 Genomes Project 0.63279.
gnomAD v4.1: 894,515 of 1,610,418 alleles (56%); highest among the groups gnomAD compares: East Asian, 84%; 252,658 homozygotes.

Submissions (4):

Labcorp Genetics (formerly Invitae), Labcorp
Classification: Benign. Last evaluated: 2026-02-03. Review status: criteria provided, single submitter. Criteria: Invitae Variant Classification Sherloc (09022015). Collection method: clinical testing. Allele origin: germline.

Genome-Nilou Lab
Classification: Benign for Spinocerebellar ataxia 45. Last evaluated: 2021-08-10. Review status: criteria provided, single submitter. Criteria: ACMG Guidelines, 2015. Collection method: clinical testing. Allele origin: germline. Affected: no.

GeneDx
Classification: Benign. Last evaluated: 2021-05-04. Review status: criteria provided, single submitter. Criteria: GeneDx Variant Classification Process June 2021. Collection method: clinical testing. Allele origin: germline. Affected: yes.

PreventionGenetics, part of Exact Sciences
Classification: Benign for FAT2-related condition. Last evaluated: 2019-10-17. Review status: no assertion criteria provided. Collection method: clinical testing. Allele origin: germline. Not counted in ClinVar's aggregate classification.
Comment: This variant is classified as benign based on ACMG/AMP sequence variant interpretation guidelines (Richards et al. 2015 PMID: 25741868, with internal and published modifications).

NM_001447.3(FAT2):c.9213T>A (p.Thr3071=)

Genes: FAT2 (FAT atypical cadherin 2; minus strand), SLC36A1 (solute carrier family 36 member 1; plus strand). Cytogenetic location: 5q33.1.
Variant type: single nucleotide variant.
Coding change: c.9213T>A on transcript NM_001447.3 (MANE Select); coding-DNA position 9213, T replaced by A.
Protein change: p.Thr3071=; no amino-acid change (threonine 3071 retained).
Molecular consequence: synonymous variant.
Genome position (GRCh38, 1-based): chr5:151,534,623, A>T on the plus strand (T>A on the coding strand, the complement: FAT2 is on the minus strand). VCF-style: chr5-151534623-A-T. GRCh37 (hg19) VCF-style: chr5-150914184-A-T.
Identifiers: ClinVar variation 1178412 (VCV001178412.10), dbSNP rs1432643, ClinGen allele CA3520614.
Genomic context (GRCh38, chr5:151,534,623, plus strand): 5'-ACCTCCATCCGTCGCCTTGGCAACAAGGTTGAACACATCCTTCCTTTCTCGGTCTAGGGC[A>T]GTGAGTGTGGTCAGCTCCCCTGGTCGGAGAAATGACAAAAGTTGAGCTTTCTCTGGGGAA-3'
Protein context (NP_001438.1, residues 3061-3081): DPHTGELTTL[Thr3071=]ALDRERKDVF